The following is an entry in ClinVar:

NM_198994.3(TGM6):c.835G>A (p.Gly279Arg)

Gene: TGM6 (transglutaminase 6; plus strand). Cytogenetic location: 20p13.
Variant type: single nucleotide variant.
Coding change: c.835G>A on transcript NM_198994.3 (MANE Select); coding-DNA position 835, G replaced by A.
Protein change: p.Gly279Arg; replaces glycine 279 with arginine.
Molecular consequence: missense variant.
Genome position (GRCh38, 1-based): chr20:2,399,723, G>A. VCF-style: chr20-2399723-G-A. GRCh37 (hg19) VCF-style: chr20-2380369-G-A.
Other names: c.835G>A, p.Gly279Arg (NM_001254734.2); short protein forms G279R.
Identifiers: ClinVar variation 337913 (VCV000337913.12), dbSNP rs375595045, ClinGen allele CA9731833.

ClinVar aggregate classification (germline): Conflicting classifications of pathogenicity. Review status: criteria provided, conflicting classifications (1 of 4 stars). 4 submissions from 4 submitters: Uncertain significance (3); Likely benign (1). Last evaluated 2025-04-09.

Conditions:
Inborn genetic diseases. Identifiers: MedGen C0950123, MeSH D030342.
Spinocerebellar ataxia type 35. Identifiers: Orphanet 276193, MedGen C3888031, MONDO:0013485, OMIM 613908.

Allele frequency attached by ClinVar (database versions not stated): TOPMed 0.00008; gnomAD 0.00010; ESP Exome Variant Server 0.00015; 1000 Genomes Project 30x 0.00016; 1000 Genomes Project 0.00020.
gnomAD v4.1: 67 of 1,613,952 alleles (0.0042%); highest among the groups gnomAD compares: African/African-American, 0.019%; no homozygotes.

Submissions (4):

Ambry Genetics
Classification: Uncertain significance for Inborn genetic diseases. Last evaluated: 2025-04-09. Review status: criteria provided, single submitter. Criteria: Ambry Variant Classification Scheme 2023. Collection method: clinical testing. Allele origin: germline.

Labcorp Genetics (formerly Invitae), Labcorp
Classification: Uncertain significance. Last evaluated: 2023-10-07. Review status: criteria provided, single submitter. Criteria: Invitae Variant Classification Sherloc (09022015). Collection method: clinical testing. Allele origin: germline.
Comment: This sequence change replaces glycine, which is neutral and non-polar, with arginine, which is basic and polar, at codon 279 of the TGM6 protein (p.Gly279Arg). This variant is present in population databases (rs375595045, gnomAD 0.03%). This variant has not been reported in the literature in individuals affected with TGM6-related conditions. ClinVar contains an entry for this variant (Variation ID: 337913). Advanced modeling of protein sequence and biophysical properties (such as structural, functional, and spatial information, amino acid conservation, physicochemical variation, residue mobility, and thermodynamic stability) performed at Invitae indicates that this missense variant is expected to disrupt TGM6 protein function. In summary, the available evidence is currently insufficient to determine the role of this variant in disease. Therefore, it has been classified as a Variant of Uncertain Significance.

Athena Diagnostics
Classification: Likely benign. Last evaluated: 2020-01-10. Review status: criteria provided, single submitter. Criteria: Athena Diagnostics Criteria. Collection method: clinical testing. Allele origin: unknown.

Illumina Laboratory Services, Illumina
Classification: Uncertain significance for Spinocerebellar ataxia type 35. Last evaluated: 2018-01-13. Review status: criteria provided, single submitter. Criteria: ICSL Variant Classification Criteria 13 December 2019. Collection method: clinical testing. Allele origin: germline.